The following is an entry in ClinVar:

NM_006059.4(LAMC3):c.2158+142C>T

Gene: LAMC3 (laminin subunit gamma 3; plus strand). Cytogenetic location: 9q34.12.
Variant type: single nucleotide variant.
Coding change: c.2158+142C>T on transcript NM_006059.4 (MANE Select); 142 bases into the intron after coding-DNA position 2158, C replaced by T.
Molecular consequence: intron variant.
Genome position (GRCh38, 1-based): chr9:131,057,289, C>T. VCF-style: chr9-131057289-C-T. GRCh37 (hg19) VCF-style: chr9-133932676-C-T.
Identifiers: ClinVar variation 682997 (VCV000682997.1), dbSNP rs3739511, ClinGen allele CA12973151.
Genomic context (GRCh38, chr9:131,057,289, plus strand): 5'-CCTGGCACAGGCATTGAGGTGTTGGCCAAGCTGTGGGGCAGTGCGGGCACTGAGCTTTCC[C>T]GTGCTGCTCAGTGCCTGGGCACCTCATAGTTTAATAAAAGTTACTACTGGAATTTGTTGA-3'

ClinVar aggregate classification (germline): Benign (1 of 4 stars; one submission).

Allele frequency attached by ClinVar (database versions not stated): 1000 Genomes Project 30x 0.12055; 1000 Genomes Project 0.12540; TOPMed 0.15482; gnomAD 0.15504 and 0.15535.
gnomAD v4.1: 134,380 of 734,208 alleles (18%); highest among the groups gnomAD compares: Admixed American, 24%; 13,787 homozygotes.

Submission:

GeneDx
Classification: Benign. Last evaluated: 2018-06-14. Review status: criteria provided, single submitter. Criteria: GeneDx Variant Classification (06012015). Collection method: clinical testing. Allele origin: germline. Affected: yes.
Comment: This variant is considered likely benign or benign based on one or more of the following criteria: it is a conservative change, it occurs at a poorly conserved position in the protein, it is predicted to be benign by multiple in silico algorithms, and/or has population frequency not consistent with disease.